The following is an entry in ClinVar:

ClinVar aggregate classification (germline): Uncertain significance (1 of 4 stars; one submission).

Conditions:
Microcephaly-intellectual disability-sensorineural hearing loss-epilepsy-abnormal muscle tone syndrome (NEDHSB). Also called: NEURODEVELOPMENTAL DISORDER WITH HEARING LOSS, SEIZURES, AND BRAIN ABNORMALITIES. Identifiers: Orphanet 457351, MedGen C4225276, MONDO:0014698, OMIM 616577.

Allele frequency attached by ClinVar (database versions not stated): TOPMed below 0.00001.

Submission:

Labcorp Genetics (formerly Invitae), Labcorp
Classification: Uncertain significance for Microcephaly-intellectual disability-sensorineural hearing loss-epilepsy-abnormal muscle tone syndrome. Last evaluated: 2022-05-29. Review status: criteria provided, single submitter. Criteria: Invitae Variant Classification Sherloc (09022015). Collection method: clinical testing. Allele origin: germline.
Comment: This sequence change falls in intron 15 of the SPATA5 gene. It does not directly change the encoded amino acid sequence of the SPATA5 protein. It affects a nucleotide within the consensus splice site. This variant is not present in population databases (gnomAD no frequency). This variant has not been reported in the literature in individuals affected with SPATA5-related conditions. Variants that disrupt the consensus splice site are a relatively common cause of aberrant splicing (PMID: 17576681, 9536098). Algorithms developed to predict the effect of sequence changes on RNA splicing suggest that this variant is not likely to affect RNA splicing. In summary, the available evidence is currently insufficient to determine the role of this variant in disease. Therefore, it has been classified as a Variant of Uncertain Significance.

Literature cited by the submitters: PubMed 17576681; PubMed 9536098.

NM_145207.3(AFG2A):c.2505+2dup

Gene: AFG2A (AAA ATPase AFG2A; plus strand). Cytogenetic location: 4q28.1.
Variant type: Duplication.
Coding change: c.2505+2dup on transcript NM_145207.3 (MANE Select); the canonical splice donor site of the intron after coding-DNA position 2505, one base duplicated (T; older notation c.2505+2dupT).
Molecular consequence: splice donor variant.
Genome position (GRCh38, 1-based): chr4:123,256,182, T duplicated. VCF-style (leftmost placement, unchanged base first): chr4-123256181-G-GT. GRCh37 (hg19) VCF-style: chr4-124177336-G-GT.
Other names: c.2502+2dup (NM_001345856.2).
Identifiers: ClinVar variation 2000794 (VCV002000794.3), dbSNP rs1741472770, ClinGen allele CA1490644651.